The following is an entry in ClinVar:

NM_000128.4(F11):c.38_39del (p.Phe13fs)

Gene: F11 (coagulation factor XI; plus strand). Cytogenetic location: 4q35.2.
Variant type: Deletion.
Coding change: c.38_39del on transcript NM_000128.4 (MANE Select); coding-DNA positions 38 to 39, 2 bases deleted (TT; older notation c.38_39delTT).
Protein change: p.Phe13fs; shifts the reading frame from phenylalanine 13.
Molecular consequence: frameshift variant.
Genome position (GRCh38, 1-based): chr4:186,267,174-186,267,175, TT deleted; deleting any 2 consecutive bases within chr4:186,267,173-186,267,175 gives the same sequence; the c. name uses the placement nearest the transcript's 3' end. VCF-style (leftmost placement, unchanged base first): chr4-186267172-ATT-A. GRCh37 (hg19) VCF-style: chr4-187188326-ATT-A.
Other names: c.38_39del, p.Phe13fs (NM_001354804.2); short protein forms F13fs.
Identifiers: ClinVar variation 1725650 (VCV001725650.2), dbSNP rs2477149062, ClinGen allele CA2580071702.

ClinVar aggregate classification (germline): Likely pathogenic (1 of 4 stars; one submission).

Conditions:
Hereditary factor XI deficiency disease. Also called: Congenital factor XI deficiency; PLASMA THROMBOPLASTIN ANTECEDENT DEFICIENCY; PTA DEFICIENCY; ROSENTHAL SYNDROME. Identifiers: Orphanet 329, MedGen C0015523, MeSH D005173, MONDO:0012897, OMIM 612416.

Submission:

Myriad Genetics, Inc.
Classification: Likely pathogenic for Hereditary factor XI deficiency disease. Last evaluated: 2022-03-30. Review status: criteria provided, single submitter. Criteria: Myriad Women's Health Autosomal Recessive and X-Linked Classification Criteria (2021). Collection method: clinical testing. Allele origin: unknown.
Comment: NM_000128.3(F11):c.38_39delTT(F13Yfs*6) is expected to be pathogenic in the context of factor XI deficiency. This variant is predicted to lead to an abnormal or absent protein product due to the creation of a premature termination codon in F11, a gene where loss-of-function variants are known to be pathogenic. Please note: this variant was assessed in the context of healthy population screening.